The following is an entry in ClinVar:

NM_000431.4(MVK):c.67G>A (p.Val23Ile)

Gene: MVK (mevalonate kinase; plus strand). Cytogenetic location: 12q24.11.
Variant type: single nucleotide variant.
Coding change: c.67G>A on transcript NM_000431.4 (MANE Select); coding-DNA position 67, G replaced by A.
Protein change: p.Val23Ile; replaces valine 23 with isoleucine.
Molecular consequence: missense variant.
Genome position (GRCh38, 1-based): chr12:109,574,889, G>A. VCF-style: chr12-109574889-G-A. GRCh37 (hg19) VCF-style: chr12-110012694-G-A.
Other names: c.67G>A, p.Val23Ile (NM_001114185.3, NM_001301182.2); short protein forms V23I.
Identifiers: ClinVar variation 1349870 (VCV001349870.9), dbSNP rs2136216776, ClinGen allele CA386642960.
Genomic context (GRCh38, chr12:109,574,889, plus strand): 5'-TCAGAAGTCCTACTGGTGTCTGCTCCGGGGAAAGTCATCCTTCATGGAGAACATGCCGTG[G>A]TACATGGCAAGGTACAAAGCCGTTAGAGCCTTTAAGGATTGGGTACCCCTTCTCCCTGAT-3'
Protein context (NP_000422.1, residues 13-33): KVILHGEHAV[Val23Ile]HGKVALAVSL

ClinVar aggregate classification (germline): Uncertain significance. Review status: criteria provided, multiple submitters, no conflicts (2 of 4 stars). 2 submissions from 2 submitters: Uncertain significance (2). Last evaluated 2022-01-26.

Conditions:
Hyperimmunoglobulin D with periodic fever (HIDS). Also called: HYPERIMMUNOGLOBULINEMIA D AND PERIODIC FEVER SYNDROME; Hyperimmunoglobulinemia D; Hyperimmunoglobulinemia D with periodic fever. Identifiers: Orphanet 343, MedGen C0398691, MONDO:0009849, OMIM 260920.
Porokeratosis 3, disseminated superficial actinic type (POROK3). Also called: POROKERATOSIS, DISSEMINATED SUPERFICIAL ACTINIC, 1; POROKERATOSIS 3, MULTIPLE TYPES; POROKERATOSIS 3, MIBELLI TYPE. Identifiers: MedGen C1867981, MONDO:0008293, OMIM 175900.
Mevalonic aciduria (MEVA). Identifiers: Orphanet 29, MedGen C1959626, MONDO:0012481, OMIM 610377.

Submissions (2):

Blueprint Genetics
Classification: Uncertain significance. Last evaluated: 2022-01-26. Review status: criteria provided, single submitter. Criteria: ACMG Guidelines, 2015. Collection method: clinical testing. Allele origin: germline.

Labcorp Genetics (formerly Invitae), Labcorp
Classification: Uncertain significance for Mevalonic aciduria; Hyperimmunoglobulin D with periodic fever; Porokeratosis 3, disseminated superficial actinic type. Last evaluated: 2020-11-21. Review status: criteria provided, single submitter. Criteria: Invitae Variant Classification Sherloc (09022015). Collection method: clinical testing. Allele origin: germline.
Comment: Advanced modeling of protein sequence and biophysical properties (such as structural, functional, and spatial information, amino acid conservation, physicochemical variation, residue mobility, and thermodynamic stability) performed at Invitae indicates that this missense variant is expected to disrupt MVK protein function. This variant has not been reported in the literature in individuals with MVK-related conditions. This variant is not present in population databases (ExAC no frequency). This sequence change replaces valine with isoleucine at codon 23 of the MVK protein (p.Val23Ile). The valine residue is highly conserved and there is a small physicochemical difference between valine and isoleucine. In summary, the available evidence is currently insufficient to determine the role of this variant in disease. Therefore, it has been classified as a Variant of Uncertain Significance.